The following is an entry in ClinVar:

NM_001004334.4(GPR179):c.5398G>A (p.Glu1800Lys)

Gene: GPR179 (G protein-coupled receptor 179; minus strand). Cytogenetic location: 17q12.
Variant type: single nucleotide variant.
Coding change: c.5398G>A on transcript NM_001004334.4 (MANE Select); coding-DNA position 5398, G replaced by A.
Protein change: p.Glu1800Lys; replaces glutamic acid 1800 with lysine.
Molecular consequence: missense variant.
Genome position (GRCh38, 1-based): chr17:38,328,171, C>T on the plus strand (G>A on the coding strand, the complement: GPR179 is on the minus strand). VCF-style: chr17-38328171-C-T. GRCh37 (hg19) VCF-style: chr17-36484054-C-T.
Other names: short protein forms E1800K.
Identifiers: ClinVar variation 2985926 (VCV002985926.3), dbSNP rs946651883, ClinGen allele CA290103579.

ClinVar aggregate classification (germline): Uncertain significance (1 of 4 stars; one submission).

Allele frequency attached by ClinVar (database versions not stated): gnomAD 0.00001; TOPMed 0.00001; gnomAD exomes 0.00002.

Submission:

Labcorp Genetics (formerly Invitae), Labcorp
Classification: Uncertain significance. Last evaluated: 2023-08-19. Review status: criteria provided, single submitter. Criteria: Invitae Variant Classification Sherloc (09022015). Collection method: clinical testing. Allele origin: germline.
Comment: This sequence change replaces glutamic acid, which is acidic and polar, with lysine, which is basic and polar, at codon 1800 of the GPR179 protein (p.Glu1800Lys). The frequency data for this variant in the population databases is considered unreliable, as metrics indicate poor data quality at this position in the gnomAD database. This variant has not been reported in the literature in individuals affected with GPR179-related conditions. An algorithm developed to predict the effect of missense changes on protein structure and function (PolyPhen-2) suggests that this variant is likely to be tolerated. In summary, the available evidence is currently insufficient to determine the role of this variant in disease. Therefore, it has been classified as a Variant of Uncertain Significance.